The following is an entry in ClinVar:

ClinVar aggregate classification (germline): Uncertain significance. Review status: criteria provided, multiple submitters, no conflicts (2 of 4 stars). 2 submissions from 2 submitters: Uncertain significance (2). Last evaluated 2026-03-20.

Conditions:
Inborn genetic diseases. Identifiers: MedGen C0950123, MeSH D030342.

Allele frequency attached by ClinVar (database versions not stated): TOPMed below 0.00001; gnomAD exomes 0.00001.
gnomAD v4.1: 8 of 1,614,138 alleles (0.0005%); highest among the groups gnomAD compares: Non-Finnish European, 0.00059%; no homozygotes.

Submissions (2):

Dasa
Classification: Uncertain significance. Last evaluated: 2026-03-20. Review status: criteria provided, single submitter. Criteria: DASA Assertion Criteria. Collection method: clinical testing. Allele origin: germline.
Comment: NM_014795.4(ZEB2):c.1541C>T (p.Pro514Leu) is a missense variant that results in the substitution of proline with leucine. This variant is rare in population databases. Computational prediction algorithms are consistent with a deleterious effect. The currently available literature and clinical evidence are not sufficient to establish a definitive association between this variant and the reported condition. Therefore, this variant is classified as a variant of uncertain significance.

Ambry Genetics
Classification: Uncertain significance for Inborn genetic diseases. Last evaluated: 2022-12-02. Review status: criteria provided, single submitter. Criteria: Ambry Variant Classification Scheme 2023. Collection method: clinical testing. Allele origin: germline.

NM_014795.4(ZEB2):c.1541C>T (p.Pro514Leu)

Gene: ZEB2 (zinc finger E-box binding homeobox 2; minus strand). Cytogenetic location: 2q22.3.
Variant type: single nucleotide variant.
Coding change: c.1541C>T on transcript NM_014795.4 (MANE Select); coding-DNA position 1541, C replaced by T.
Protein change: p.Pro514Leu; replaces proline 514 with leucine.
Molecular consequence: missense variant.
Genome position (GRCh38, 1-based): chr2:144,399,646, G>A on the plus strand (C>T on the coding strand, the complement: ZEB2 is on the minus strand). VCF-style: chr2-144399646-G-A. GRCh37 (hg19) VCF-style: chr2-145157213-G-A.
Other names: c.1469C>T, p.Pro490Leu (NM_001171653.2); short protein forms P490L, P514L.
Identifiers: ClinVar variation 2332286 (VCV002332286.4), dbSNP rs1302932819, ClinGen allele CA348711106.